The following is an entry in ClinVar:

NM_001370259.2(MEN1):c.877C>T (p.Pro293Ser)

Gene: MEN1 (menin 1; minus strand). Cytogenetic location: 11q13.1.
Variant type: single nucleotide variant.
Coding change: c.877C>T on transcript NM_001370259.2 (MANE Select); coding-DNA position 877, C replaced by T.
Protein change: p.Pro293Ser; replaces proline 293 with serine.
Molecular consequence: missense variant.
Genome position (GRCh38, 1-based): chr11:64,807,046, G>A on the plus strand (C>T on the coding strand, the complement: MEN1 is on the minus strand). VCF-style: chr11-64807046-G-A. GRCh37 (hg19) VCF-style: chr11-64574518-G-A.
Other names: c.892C>T, p.Pro298Ser (NM_000244.4, NM_001407145.1, NM_001407150.1 and 5 more transcripts); c.877C>T, p.Pro293Ser (NM_001370251.2, NM_001370260.2, NM_001370261.2 and 7 more transcripts); c.772C>T, p.Pro258Ser (NM_001370262.2, NM_001370263.2, NM_001407148.1 and 2 more transcripts); short protein forms P293S, P258S, P298S.
Identifiers: ClinVar variation 2012921 (VCV002012921.5), dbSNP rs2136128745, ClinGen allele CA381183549.
Genomic context (GRCh38, chr11:64,807,046, plus strand): 5'-CTGCACCCTCCTTAGATGCCCCCACCTTGTGGTAGAGGGTGAGTGGGTCTGGCCGGCCAG[G>A]GGTGGGCTCCAGCTCCTCTAGATCTGCCAGGTTCCCTAAGGCCATGGGGTACCTAGGAAA-3'
Protein context (NP_001357188.2, residues 283-303): LADLEELEPT[Pro293Ser]GRPDPLTLYH

ClinVar aggregate classification (germline): Uncertain significance. Review status: criteria provided, multiple submitters, no conflicts (2 of 4 stars). 2 submissions from 2 submitters: Uncertain significance (2). Last evaluated 2024-12-06.

Conditions:
Hereditary cancer-predisposing syndrome. Also called: Neoplastic Syndromes, Hereditary; Hereditary neoplastic syndrome; Tumor predisposition; Hereditary Cancer Syndrome. Identifiers: Orphanet 140162, MedGen C0027672, MeSH D009386, MONDO:0015356.
Multiple endocrine neoplasia, type 1 (MEN1). Also called: Endocrine adenomatosis multiple; MEN 1; MEA I; MEN I; WERMER SYNDROME. Identifiers: Orphanet 652, MedGen C0025267, MeSH D018761, MONDO:0007540, OMIM 131100.

Submissions (2):

Ambry Genetics
Classification: Uncertain significance for Hereditary cancer-predisposing syndrome. Last evaluated: 2024-12-06. Review status: criteria provided, single submitter. Criteria: Ambry Variant Classification Scheme 2023. Collection method: clinical testing. Allele origin: germline.
Comment: The p.P293S variant (also known as c.877C>T), located in coding exon 5 of the MEN1 gene, results from a C to T substitution at nucleotide position 877. The proline at codon 293 is replaced by serine, an amino acid with similar properties. This amino acid position is conserved. In addition, the in silico prediction for this alteration is inconclusive. Based on the available evidence, the clinical significance of this variant remains unclear.

Labcorp Genetics (formerly Invitae), Labcorp
Classification: Uncertain significance for Multiple endocrine neoplasia, type 1. Last evaluated: 2022-07-01. Review status: criteria provided, single submitter. Criteria: Invitae Variant Classification Sherloc (09022015). Collection method: clinical testing. Allele origin: germline.
Comment: In summary, the available evidence is currently insufficient to determine the role of this variant in disease. Therefore, it has been classified as a Variant of Uncertain Significance. Advanced modeling of protein sequence and biophysical properties (such as structural, functional, and spatial information, amino acid conservation, physicochemical variation, residue mobility, and thermodynamic stability) performed at Invitae indicates that this missense variant is not expected to disrupt MEN1 protein function. This variant has not been reported in the literature in individuals affected with MEN1-related conditions. This variant is not present in population databases (gnomAD no frequency). This sequence change replaces proline, which is neutral and non-polar, with serine, which is neutral and polar, at codon 293 of the MEN1 protein (p.Pro293Ser).